The following is an entry in ClinVar:

NM_006030.4(CACNA2D2):c.118C>T (p.Pro40Ser)

Gene: CACNA2D2 (calcium voltage-gated channel auxiliary subunit alpha2delta 2; minus strand). Cytogenetic location: 3p21.31.
Variant type: single nucleotide variant.
Coding change: c.118C>T on transcript NM_006030.4 (MANE Select); coding-DNA position 118, C replaced by T.
Protein change: p.Pro40Ser; replaces proline 40 with serine.
Molecular consequence: missense variant. On other transcripts: intron variant (1).
Genome position (GRCh38, 1-based): chr3:50,503,306, G>A on the plus strand (C>T on the coding strand, the complement: CACNA2D2 is on the minus strand). VCF-style: chr3-50503306-G-A. GRCh37 (hg19) VCF-style: chr3-50540737-G-A.
Other names: c.118C>T, p.Pro40Ser (NM_001005505.3, NM_001174051.3); c.-2+763C>T (NM_001291101.1); c.118C>T (NM_001174051.1); short protein forms P40S.
Identifiers: ClinVar variation 844623 (VCV000844623.6), dbSNP rs966374833, ClinGen allele CA74518926.

ClinVar aggregate classification (germline): Uncertain significance. Review status: criteria provided, multiple submitters, no conflicts (2 of 4 stars). 2 submissions from 2 submitters: Uncertain significance (2). Last evaluated 2025-12-15.

Conditions:
Inborn genetic diseases. Identifiers: MedGen C0950123, MeSH D030342.
Developmental and epileptic encephalopathy. Identifiers: MedGen C5779964, MONDO:0100620.

Allele frequency attached by ClinVar (database versions not stated): gnomAD 0.00005 and 0.00006; gnomAD exomes 0.00006; TOPMed 0.00008.
gnomAD v4.1: 53 of 898,072 alleles (0.0059%); highest among the groups gnomAD compares: African/African-American, 0.016%; no homozygotes.

Submissions (2):

Ambry Genetics
Classification: Uncertain significance for Inborn genetic diseases. Last evaluated: 2025-12-15. Review status: criteria provided, single submitter. Criteria: Ambry Variant Classification Scheme 2023. Collection method: clinical testing. Allele origin: germline.

Labcorp Genetics (formerly Invitae), Labcorp
Classification: Uncertain significance for Early-infantile DEE. Last evaluated: 2023-12-22. Review status: criteria provided, single submitter. Criteria: Invitae Variant Classification Sherloc (09022015). Collection method: clinical testing. Allele origin: germline.
Comment: This sequence change replaces proline, which is neutral and non-polar, with serine, which is neutral and polar, at codon 40 of the CACNA2D2 protein (p.Pro40Ser). This variant is not present in population databases (gnomAD no frequency). This variant has not been reported in the literature in individuals affected with CACNA2D2-related conditions. ClinVar contains an entry for this variant (Variation ID: 844623). Algorithms developed to predict the effect of missense changes on protein structure and function output the following: SIFT: "Not Available"; PolyPhen-2: "Not Available"; Align-GVGD: "Not Available". The serine amino acid residue is found in multiple mammalian species, which suggests that this missense change does not adversely affect protein function. In summary, the available evidence is currently insufficient to determine the role of this variant in disease. Therefore, it has been classified as a Variant of Uncertain Significance.